The following is an entry in ClinVar:

NM_004082.5(DCTN1):c.2140A>G (p.Thr714Ala)

Gene: DCTN1 (dynactin subunit 1; minus strand). Cytogenetic location: 2p13.1.
Variant type: single nucleotide variant.
Coding change: c.2140A>G on transcript NM_004082.5 (MANE Select); coding-DNA position 2140, A replaced by G.
Protein change: p.Thr714Ala; replaces threonine 714 with alanine.
Molecular consequence: missense variant. On other transcripts: non-coding transcript variant (1).
Genome position (GRCh38, 1-based): chr2:74,367,740, T>C on the plus strand (A>G on the coding strand, the complement: DCTN1 is on the minus strand). VCF-style: chr2-74367740-T-C. GRCh37 (hg19) VCF-style: chr2-74594867-T-C.
Other names: c.2080A>G, p.Thr694Ala (NM_001135040.3); c.1738A>G, p.Thr580Ala (NM_001135041.3, NM_023019.4); c.2029A>G, p.Thr677Ala (NM_001190836.2); c.2119A>G, p.Thr707Ala (NM_001190837.2); c.2089A>G, p.Thr697Ala (NM_001378991.1); c.2071A>G, p.Thr691Ala (NM_001378992.1); short protein forms T580A, T694A, T714A, T707A, T677A, T691A, T697A.
Identifiers: ClinVar variation 1941790 (VCV001941790.5), dbSNP rs2529127234, ClinGen allele CA347350742.

ClinVar aggregate classification (germline): Uncertain significance (1 of 4 stars; one submission).

Conditions:
Amyotrophic lateral sclerosis type 1 (ALS1). Also called: AMYOTROPHIC LATERAL SCLEROSIS 1, FAMILIAL. Identifiers: Orphanet 803, MedGen C1862939, MONDO:0007103, OMIM 105400.
Neuronopathy, distal hereditary motor, type 7B. Also called: NEURONOPATHY, DISTAL HEREDITARY MOTOR, AUTOSOMAL DOMINANT 14; NEURONOPATHY, DISTAL HEREDITARY MOTOR, HARDING TYPE VIIB; NEUROPATHY, DISTAL HEREDITARY MOTOR, HARDING TYPE VIIB; NEUROPATHY, DISTAL HEREDITARY MOTOR, WITH VOCAL CORD PARALYSIS, HARDING TYPE VIIB; HMN VIIB; LOWER MOTOR NEURON DISEASE, DYNACTIN TYPE. Identifiers: Orphanet 139589, MedGen C1843315, MONDO:0011879, OMIM 607641.
Perry syndrome. Also called: PARKINSONISM WITH ALVEOLAR HYPOVENTILATION AND MENTAL DEPRESSION. Identifiers: Orphanet 178509, MedGen C1868594, MONDO:0008201, OMIM 168605.

Allele frequency attached by ClinVar (database versions not stated): gnomAD exomes below 0.00001.
gnomAD v4.1: 1 of 1,614,174 alleles (0.000062%); highest among the groups gnomAD compares: South Asian, 0.0011%; no homozygotes.

Submission:

Labcorp Genetics (formerly Invitae), Labcorp
Classification: Uncertain significance for Amyotrophic lateral sclerosis type 1; Neuronopathy, distal hereditary motor, type 7B; Perry syndrome. Last evaluated: 2022-07-02. Review status: criteria provided, single submitter. Criteria: Invitae Variant Classification Sherloc (09022015). Collection method: clinical testing. Allele origin: germline.
Comment: This sequence change replaces threonine, which is neutral and polar, with alanine, which is neutral and non-polar, at codon 714 of the DCTN1 protein (p.Thr714Ala). In summary, the available evidence is currently insufficient to determine the role of this variant in disease. Therefore, it has been classified as a Variant of Uncertain Significance. Algorithms developed to predict the effect of missense changes on protein structure and function (SIFT, PolyPhen-2, Align-GVGD) all suggest that this variant is likely to be disruptive. This variant has not been reported in the literature in individuals affected with DCTN1-related conditions. This variant is not present in population databases (gnomAD no frequency).